The following is an entry in ClinVar:

NM_014495.4(ANGPTL3):c.956A>G (p.Lys319Arg)

Genes: ANGPTL3 (angiopoietin like 3; plus strand), DOCK7 (dedicator of cytokinesis 7; minus strand). Cytogenetic location: 1p31.3.
Variant type: single nucleotide variant.
Coding change: c.956A>G on transcript NM_014495.4 (MANE Select); coding-DNA position 956, A replaced by G.
Protein change: p.Lys319Arg; replaces lysine 319 with arginine.
Molecular consequence: missense variant. On other transcripts: intron variant (7).
Genome position (GRCh38, 1-based): chr1:62,603,993, A>G. VCF-style: chr1-62603993-A-G. GRCh37 (hg19) VCF-style: chr1-63069664-A-G.
Other names: c.1682+14713T>C (NM_001272001.2, NM_001272000.2, NM_033407.4 and 4 more transcripts); short protein forms K319R.
Identifiers: ClinVar variation 1803843 (VCV001803843.7), dbSNP rs372222044, ClinGen allele CA886757.
Genomic context (GRCh38, chr1:62,603,993, plus strand): 5'-TAATAACTCACAGATTTTTAAAACTTTTCTTTTCAGGAGAATTTTGGTTGGGCCTAGAGA[A>G]GATATACTCCATAGTGAAGCAATCTAATTATGTTTTACGAATTGAGTTGGAAGACTGGAA-3'
Protein context (NP_055310.1, residues 309-329): LDGEFWLGLE[Lys319Arg]IYSIVKQSNY

ClinVar aggregate classification (germline): Conflicting classifications of pathogenicity. Review status: criteria provided, conflicting classifications (1 of 4 stars). 4 submissions from 4 submitters: Uncertain significance (3); Likely benign (1). Last evaluated 2025-09-26.

Conditions:
ANGPTL3-related disorder. Also called: ANGPTL3-related condition.
Familial hypobetalipoproteinemia 2. Also called: HYPOLIPIDEMIA, FAMILIAL, COMBINED. Identifiers: MedGen C1857970, MONDO:0011505, OMIM 605019.
Inborn genetic diseases. Identifiers: MedGen C0950123, MeSH D030342.

Allele frequency attached by ClinVar (database versions not stated): gnomAD exomes 0.00004; ESP Exome Variant Server 0.00008; ExAC 0.00015; 1000 Genomes Project 30x 0.00016; gnomAD 0.00017; 1000 Genomes Project 0.00020; TOPMed 0.00023.
gnomAD v4.1: 241 of 1,613,066 alleles (0.015%); highest among the groups gnomAD compares: East Asian, 0.12%; 4 homozygotes.

Submissions (4):

PreventionGenetics, part of Exact Sciences
Classification: Uncertain significance for ANGPTL3-related condition. Last evaluated: 2025-09-26. Review status: criteria provided, single submitter. Criteria: ACMG Guidelines, 2015. Collection method: clinical testing. Allele origin: germline.
Comment: The ANGPTL3 c.956A>G variant is predicted to result in the amino acid substitution p.Lys319Arg. This variant was reported in an individual with hypercholesterolaemia (Yang et al. 2019. PubMed ID: 30827231) and in an individual with dyslipidemia (Tables S3 and S4, Dron et al. 2020. PubMed ID: 32041611). This variant was also reported as having a reduced polygenic risk score for hypertriglyceridaemia (Table S3, Deshotels et al. 2022. PubMed ID: 36325899). This variant is reported in 0.18% of alleles in individuals of East Asian descent in gnomAD. At this time, the clinical significance of this variant is uncertain due to the absence of conclusive functional and genetic evidence.

Ambry Genetics
Classification: Likely benign for Inborn genetic diseases. Last evaluated: 2023-02-27. Review status: criteria provided, single submitter. Criteria: Ambry Variant Classification Scheme 2023. Collection method: clinical testing. Allele origin: germline.

New York Genome Center
Classification: Uncertain significance for Familial hypobetalipoproteinemia 2. Last evaluated: 2022-10-26. Review status: criteria provided, single submitter. Criteria: NYGC Assertion Criteria 2020. Collection method: clinical testing. Allele origin: germline. Observed: 3 heterozygotes. Clinical features observed: Hyperlipidemia (HP:0003077), Type 2 diabetes mellitus (HP:0005978), Hepatic steatosis (HP:0001397), Diabetes mellitus (HP:0000819).
Comment: The variant has 0.0001908 allele frequency in the gnomAD(v3)database (29 out of 151968 heterozygous alleles, no homozygotes) and 0.0002059 allele frequency in the gnomAD(v2) database (58 out of 281708 heterozygousalleles, no homozygote). This variant affects a highly conserved residue [Lys319] and is predicted deleterious by multiple in silico prediction tools (CADD score = 24.8,REVEL score = 0.657). Based on the available evidence, the heterozygous c.956A>G (p. Lys319Arg) missense variant identified in the ANGPTL3 gene is reported as a Variant of Uncertain Significance.

Labcorp Genetics (formerly Invitae), Labcorp
Classification: Uncertain significance. Last evaluated: 2022-05-07. Review status: criteria provided, single submitter. Criteria: Invitae Variant Classification Sherloc (09022015). Collection method: clinical testing. Allele origin: germline.
Comment: This sequence change replaces lysine, which is basic and polar, with arginine, which is basic and polar, at codon 319 of the ANGPTL3 protein (p.Lys319Arg). This variant is present in population databases (rs372222044, gnomAD 0.1%). This missense change has been observed in individual(s) with clinical features of dislipidemia (PMID: 32041611). Algorithms developed to predict the effect of missense changes on protein structure and function are either unavailable or do not agree on the potential impact of this missense change (SIFT: "Tolerated"; PolyPhen-2: "Probably Damaging"; Align-GVGD: "Class C0"). In summary, the available evidence is currently insufficient to determine the role of this variant in disease. Therefore, it has been classified as a Variant of Uncertain Significance.

Literature cited by the submitters: PubMed 32041611 (cited by Labcorp Genetics (formerly Invitae), Labcorp).